The following is an entry in ClinVar:

NM_001197104.2(KMT2A):c.10592C>T (p.Pro3531Leu)

Gene: KMT2A (lysine methyltransferase 2A; plus strand). Cytogenetic location: 11q23.3.
Variant type: single nucleotide variant.
Coding change: c.10592C>T on transcript NM_001197104.2 (MANE Select); coding-DNA position 10592, C replaced by T.
Protein change: p.Pro3531Leu; replaces proline 3531 with leucine.
Molecular consequence: missense variant.
Genome position (GRCh38, 1-based): chr11:118,506,484, C>T. VCF-style: chr11-118506484-C-T. GRCh37 (hg19) VCF-style: chr11-118377199-C-T.
Other names: c.10682C>T, p.Pro3561Leu (NM_001412597.1); c.10583C>T, p.Pro3528Leu (NM_005933.4); short protein forms P3528L, P3531L, P3561L.
Identifiers: ClinVar variation 3687154 (VCV003687154.6).

ClinVar aggregate classification (germline): Uncertain significance. Review status: criteria provided, multiple submitters, no conflicts (2 of 4 stars). 3 submissions from 3 submitters: Uncertain significance (3). Last evaluated 2025-04-25.

gnomAD v4.1: 1 of 1,614,196 alleles (0.000062%); no homozygotes.

Submissions (3):

Women's Health and Genetics/Laboratory Corporation of America, LabCorp
Classification: Uncertain significance. Last evaluated: 2025-04-25. Review status: criteria provided, single submitter. Criteria: LabCorp Variant Classification Summary - May 2015. Collection method: clinical testing. Allele origin: germline.
Comment: Variant summary: KMT2A c.10592C>T (p.Pro3531Leu) results in a non-conservative amino acid change in the encoded protein sequence. Four of five in-silico tools predict a benign effect of the variant on protein function. The variant was absent in 251466 control chromosomes. The available data on variant occurrences in the general population are insufficient to allow any conclusion about variant significance. To our knowledge, no occurrence of c.10592C>T in individuals affected with Wiedemann-Steiner Syndrome and no experimental evidence demonstrating its impact on protein function have been reported. ClinVar contains an entry for this variant (Variation ID: 3687154). Based on the evidence outlined above, the variant was classified as uncertain significance.

Dasa
Classification: Uncertain significance. Last evaluated: 2025-01-29. Review status: criteria provided, single submitter. Criteria: DASA Assertion Criteria. Collection method: clinical testing. Allele origin: germline.
Comment: NM_001197104.2(KMT2A):c.10592C>T (p.Pro3531Leu) is a missense variant that results in the substitution of proline with leucine. The affected residue or protein region has prior evidence supporting clinical relevance. This variant is rare in population databases. Computational prediction algorithms are consistent with a benign effect. The currently available literature and clinical evidence are not sufficient to establish a definitive association between this variant and the reported condition. Therefore, this variant is classified as a variant of uncertain significance.

Labcorp Genetics (formerly Invitae), Labcorp
Classification: Uncertain significance. Last evaluated: 2024-02-20. Review status: criteria provided, single submitter. Criteria: Invitae Variant Classification Sherloc (09022015). Collection method: clinical testing. Allele origin: germline.
Comment: This sequence change replaces proline, which is neutral and non-polar, with leucine, which is neutral and non-polar, at codon 3531 of the KMT2A protein (p.Pro3531Leu). This variant is not present in population databases (gnomAD no frequency). This variant has not been reported in the literature in individuals affected with KMT2A-related conditions. Advanced modeling of protein sequence and biophysical properties (such as structural, functional, and spatial information, amino acid conservation, physicochemical variation, residue mobility, and thermodynamic stability) performed at Invitae indicates that this missense variant is not expected to disrupt KMT2A protein function with a negative predictive value of 95%. In summary, the available evidence is currently insufficient to determine the role of this variant in disease. Therefore, it has been classified as a Variant of Uncertain Significance.